The following is an entry in ClinVar:

ClinVar aggregate classification (germline): Uncertain significance (1 of 4 stars; one submission).

Conditions:
Tuberous sclerosis 2 (TSC2). Identifiers: Orphanet 805, MedGen C1860707, MONDO:0013199, OMIM 613254.

Submission:

Labcorp Genetics (formerly Invitae), Labcorp
Classification: Uncertain significance for Tuberous sclerosis 2. Last evaluated: 2022-12-12. Review status: criteria provided, single submitter. Criteria: Invitae Variant Classification Sherloc (09022015). Collection method: clinical testing. Allele origin: germline.
Comment: In summary, the available evidence is currently insufficient to determine the role of this variant in disease. Therefore, it has been classified as a Variant of Uncertain Significance. Advanced modeling of protein sequence and biophysical properties (such as structural, functional, and spatial information, amino acid conservation, physicochemical variation, residue mobility, and thermodynamic stability) performed at Invitae indicates that this missense variant is not expected to disrupt TSC2 protein function. This variant has not been reported in the literature in individuals affected with TSC2-related conditions. This variant is not present in population databases (gnomAD no frequency). This sequence change replaces proline, which is neutral and non-polar, with threonine, which is neutral and polar, at codon 497 of the TSC2 protein (p.Pro497Thr).

NM_000548.5(TSC2):c.1489C>A (p.Pro497Thr)

Gene: TSC2 (TSC complex subunit 2; plus strand). Cytogenetic location: 16p13.3.
Variant type: single nucleotide variant.
Coding change: c.1489C>A on transcript NM_000548.5 (MANE Select); coding-DNA position 1489, C replaced by A.
Protein change: p.Pro497Thr; replaces proline 497 with threonine.
Molecular consequence: missense variant. On other transcripts: 5 prime UTR variant (1), non-coding transcript variant (5).
Genome position (GRCh38, 1-based): chr16:2,064,317, C>A. VCF-style: chr16-2064317-C-A. GRCh37 (hg19) VCF-style: chr16-2114318-C-A.
Other names: c.1027C>A, p.Pro343Thr (NM_001406681.1); c.889C>A, p.Pro297Thr (NM_001406682.1, NM_001406683.1, NM_001406684.1 and 6 more transcripts); c.145C>A, p.Pro49Thr (NM_001406689.1, NM_001406690.1, NM_001406691.1 and 6 more transcripts); c.1378C>A, p.Pro460Thr (NM_001406670.1, NM_001406678.1, NM_001318827.2); c.1477C>A, p.Pro493Thr (NM_001406671.1, NM_001406673.1); c.1342C>A, p.Pro448Thr (NM_001406675.1, NM_001406676.1, NM_001406679.1 and 1 more transcripts); c.1432C>A, p.Pro478Thr (NM_001406677.1); c.-114C>A (NM_001406698.1); and 3 more; short protein forms P297T, P493T, P343T, P508T, P527T, P448T, P478T, P497T.
Identifiers: ClinVar variation 3002068 (VCV003002068.3), dbSNP rs2548570569, ClinGen allele CA394325925.